The following is an entry in ClinVar:

NM_000535.7(PMS2):c.706-5_706-4del

Gene: PMS2 (PMS1 homolog 2, mismatch repair system component; minus strand). Cytogenetic location: 7p22.1.
Variant type: Deletion.
Coding change: c.706-5_706-4del on transcript NM_000535.7 (MANE Select); 5 bases into the intron before coding-DNA position 706 through 4 bases into the intron before coding-DNA position 706, 2 bases deleted (TT; older notation c.706-5_706-4delTT).
Molecular consequence: intron variant.
Genome position (GRCh38, 1-based): chr7:5,997,427-5,997,428, AA deleted on the plus strand (TT on the coding strand, the reverse complement: PMS2 is on the minus strand); deleting any 2 consecutive bases within chr7:5,997,427-5,997,443 gives the same sequence; the c. name uses the placement nearest the transcript's 3' end. VCF-style (leftmost placement, unchanged base first): chr7-5997426-GAA-G. GRCh37 (hg19) VCF-style: chr7-6037057-GAA-G.
Other names: NC_000007.13:g.6037073_6037074del; p.?; c.706-20_706-19del (NM_000535.7); c.706-5_706-4delTT (NM_000535.5, NM_000535.6, NM_000535.7); c.388-5_388-4del (NM_001322008.2, NM_001322007.2); c.301-5_301-4del (NM_001322010.2, NM_001322004.2, NM_001322003.2 and 2 more transcripts); c.133-5_133-4del (NM_001322013.2); c.-228-5_-228-4del (NM_001322012.2, NM_001322011.2); and 2 more.
Identifiers: ClinVar variation 218462 (VCV000218462.32), dbSNP rs60794673, ClinGen allele CA277876.

ClinVar aggregate classification (germline): Benign/Likely benign. Review status: criteria provided, multiple submitters, no conflicts (2 of 4 stars). 16 submissions from 16 submitters: Benign (6); Likely benign (3). 7 of the submissions do not count toward it. Last evaluated 2026-01-04.

Conditions:
PMS2-related disorder. Also called: PMS2-related condition.
Hereditary nonpolyposis colorectal neoplasms. Identifiers: MedGen C0009405, MeSH D003123.
Hereditary cancer-predisposing syndrome. Also called: Neoplastic Syndromes, Hereditary; Hereditary neoplastic syndrome; Tumor predisposition; Hereditary Cancer Syndrome. Identifiers: Orphanet 140162, MedGen C0027672, MeSH D009386, MONDO:0015356.
Lynch syndrome. Identifiers: Orphanet 144, MedGen C4552100, MONDO:0005835. Disease mechanism: loss of function.
Lynch syndrome 4 (LYNCH4). Also called: Hereditary non-polyposis colorectal cancer, type 4; Colorectal cancer, hereditary nonpolyposis, type 4. Identifiers: Orphanet 144, MedGen C1838333, MONDO:0013699, OMIM 614337. Disease mechanism: loss of function.

Submissions (19):

Labcorp Genetics (formerly Invitae), Labcorp
Classification: Benign for Hereditary nonpolyposis colorectal neoplasms. Last evaluated: 2026-01-04. Review status: criteria provided, single submitter. Criteria: Invitae Variant Classification Sherloc (09022015). Collection method: clinical testing. Allele origin: germline.

Center for Genomic Medicine, Rigshospitalet, Copenhagen University Hospital
Classification: Likely benign. Last evaluated: 2025-03-04. Review status: criteria provided, single submitter. Criteria: ACMG Guidelines, 2015. Collection method: clinical testing. Allele origin: germline.

Blueprint Genetics
Classification: Likely benign. Last evaluated: 2024-11-26. Review status: criteria provided, single submitter. Criteria: ACMG Guidelines, 2015. Collection method: clinical testing. Allele origin: germline.

Color Diagnostics, LLC DBA Color Health
Classification: Benign for Hereditary cancer-predisposing syndrome. Last evaluated: 2022-11-03. Review status: criteria provided, single submitter. Criteria: ACMG Guidelines, 2015. Collection method: clinical testing. Allele origin: germline.

Institute for Clinical Genetics, University Hospital TU Dresden, University Hospital TU Dresden
Classification: Benign. Last evaluated: 2021-11-03. Review status: criteria provided, single submitter. Criteria: ACMG Guidelines, 2015. Collection method: clinical testing. Allele origin: germline.

Mayo Clinic Laboratories, Mayo Clinic
Classification: Benign. Last evaluated: 2021-07-19. Review status: criteria provided, single submitter. Criteria: ACMG Guidelines, 2015. Collection method: clinical testing. Allele origin: germline. Observed: 96 variant alleles.

Clinical Genetics DNA and cytogenetics Diagnostics Lab, Erasmus MC, Erasmus Medical Center
Classification: Benign for Lynch syndrome 4. Last evaluated: 2016-06-08. Review status: criteria provided, single submitter. Criteria: ACGS Guidelines, 2013. Collection method: clinical testing. Allele origin: germline. Affected: yes. Study: VKGL Data-share Consensus.

Genomic Diagnostic Laboratory, Division of Genomic Diagnostics, Children's Hospital of Philadelphia
Classification: Benign for Lynch syndrome. Last evaluated: 2015-07-10. Review status: criteria provided, single submitter. Criteria: DGD Variant Analysis Guidelines. Collection method: clinical testing. Allele origin: unknown.

Ambry Genetics
Classification: Likely benign for Hereditary cancer-predisposing syndrome. Last evaluated: 2014-12-22. Review status: criteria provided, single submitter. Criteria: Ambry Variant Classification Scheme 2023. Collection method: clinical testing. Allele origin: germline.

PreventionGenetics, part of Exact Sciences
Classification: Benign for PMS2-related condition. Last evaluated: 2020-03-20. Review status: no assertion criteria provided. Collection method: clinical testing. Allele origin: germline. Not counted in ClinVar's aggregate classification.
Comment: This variant is classified as benign based on ACMG/AMP sequence variant interpretation guidelines (Richards et al. 2015 PMID: 25741868, with internal and published modifications).

Genome Diagnostics Laboratory, Amsterdam University Medical Center
Classification: Benign for Lynch syndrome 4. Last evaluated: 2015-05-08. Review status: no assertion criteria provided. Criteria: ACGS Guidelines, 2013. Collection method: clinical testing. Allele origin: germline. Affected: yes. Study: VKGL Data-share Consensus. Not counted in ClinVar's aggregate classification.

Clinical Genetics Laboratory, Department of Pathology, Netherlands Cancer Institute
Classification: Benign. Review status: no assertion criteria provided. Collection method: clinical testing. Allele origin: germline. Affected: yes. Study: VKGL Data-share Consensus. Not counted in ClinVar's aggregate classification.

Clinical Genetics, Academic Medical Center
Classification: Benign. Review status: no assertion criteria provided. Collection method: clinical testing. Allele origin: germline. Affected: yes. Study: VKGL Data-share Consensus. Not counted in ClinVar's aggregate classification.

Department of Pathology and Laboratory Medicine, Sinai Health System
Classification: Benign. Review status: no assertion criteria provided. Collection method: clinical testing. Allele origin: unknown. Affected: yes. Study: The Canadian Open Genetics Repository (COGR). Not counted in ClinVar's aggregate classification.

Diagnostic Laboratory, Department of Genetics, University Medical Center Groningen
Classification: Benign. Review status: no assertion criteria provided. Collection method: clinical testing. Allele origin: germline. Affected: yes. Study: VKGL Data-share Consensus. Not counted in ClinVar's aggregate classification.

Dr. Peter K. Rogan Lab, Western University
No classification provided (evidence only). Condition: Cholangiocarcinoma. Review status: no classification provided. Collection method: in vitro. Allele origin: not applicable. Functional consequence: retained intron. Not counted in ClinVar's aggregate classification.

Dr. Peter K. Rogan Lab, Western University
No classification provided (evidence only). Condition: Gastric cancer. Review status: no classification provided. Collection method: in vitro. Allele origin: not applicable. Functional consequence: retained intron. Not counted in ClinVar's aggregate classification.

Dr. Peter K. Rogan Lab, Western University
No classification provided (evidence only). Condition: Gastric cancer. Review status: no classification provided. Collection method: in vitro. Allele origin: not applicable. Functional consequence: retained intron. Not counted in ClinVar's aggregate classification.

Laboratory of Diagnostic Genome Analysis, Leiden University Medical Center (LUMC)
Classification: Benign. Review status: no assertion criteria provided. Collection method: clinical testing. Allele origin: germline. Affected: yes. Study: VKGL Data-share Consensus. Not counted in ClinVar's aggregate classification.